The following is an entry in ClinVar:

NM_134261.3(RORA):c.1183+7_1183+10del

Genes: RORA (RAR related orphan receptor A; minus strand), RORA-AS1 (RORA antisense RNA 1; plus strand). Cytogenetic location: 15q22.2.
Variant type: Deletion.
Coding change: c.1183+7_1183+10del on transcript NM_134261.3 (MANE Select); bases 7 to 10 of the intron after coding-DNA position 1183, 4 bases deleted (GGAT; older notation c.1183+7_1183+10delGGAT).
Molecular consequence: intron variant.
Genome position (GRCh38, 1-based): chr15:60,502,750-60,502,753, ATCC deleted on the plus strand (GGAT on the coding strand, the reverse complement: RORA is on the minus strand). VCF-style (leftmost placement, unchanged base first): chr15-60502749-TATCC-T. GRCh37 (hg19) VCF-style: chr15-60794948-TATCC-T.
Other names: c.1282+7_1282+10del (NM_134260.3); c.1258+7_1258+10del (NM_002943.4); c.1018+7_1018+10del (NM_134262.3).
Identifiers: ClinVar variation 4884075 (VCV004884075.2).
Genomic context (GRCh38, chr15:60,502,749, plus strand): 5'-GAGCTTTCACTCAACCCGCATCTTTTCCTATAGCCCTGATTTGAAGAAAAGGCACCTTGA[TATCC>T]CCTTACCTAAGGATTTGAAGACGTCGGGGCTGGCATACTTCCCATCAAAGTACACGGTGT-3'

ClinVar aggregate classification (germline): Uncertain significance (1 of 4 stars; one submission).

Conditions:
Intellectual developmental disorder with or without epilepsy or cerebellar ataxia. Identifiers: MedGen C4748041, MONDO:0060745, OMIM 618060.

Submission:

Dasa
Classification: Uncertain significance for intellectual developmental disorder with or without epilepsy or cerebellar ataxia. Last evaluated: 2025-05-12. Review status: criteria provided, single submitter. Criteria: DASA Assertion Criteria. Collection method: clinical testing. Allele origin: germline.
Comment: NM_134261.3(RORA):c.1183+7_1183+10del is a splice-region variant. This variant is absent from population databases. Computational prediction algorithms are consistent with a benign effect. The currently available literature and clinical evidence are not sufficient to establish a definitive association between this variant and the reported condition. Therefore, this variant is classified as a variant of uncertain significance.